The following is an entry in ClinVar:

ClinVar aggregate classification (germline): Uncertain significance. Review status: criteria provided, multiple submitters, no conflicts (2 of 4 stars). 3 submissions from 3 submitters: Uncertain significance (3). Last evaluated 2024-10-10.

Conditions:
Short stature, facial dysmorphism, and skeletal anomalies with or without cardiac anomalies 1. Identifiers: MedGen C5542952, MONDO:0100297, OMIM 617877.

Allele frequency attached by ClinVar (database versions not stated): ExAC 0.00001; TOPMed 0.00003; gnomAD exomes 0.00004.
gnomAD v4.1: 52 of 1,614,120 alleles (0.0032%); highest among the groups gnomAD compares: Non-Finnish European, 0.0041%; no homozygotes.

Submissions (3):

GeneDx
Classification: Uncertain significance. Last evaluated: 2024-10-10. Review status: criteria provided, single submitter. Criteria: GeneDx Variant Classification Process June 2021. Collection method: clinical testing. Allele origin: germline. Affected: yes.
Comment: In silico analysis supports that this missense variant has a deleterious effect on protein structure/function; Has not been previously published as pathogenic or benign to our knowledge

Labcorp Genetics (formerly Invitae), Labcorp
Classification: Uncertain significance. Last evaluated: 2024-08-08. Review status: criteria provided, single submitter. Criteria: Invitae Variant Classification Sherloc (09022015). Collection method: clinical testing. Allele origin: germline.
Comment: This sequence change replaces histidine, which is basic and polar, with tyrosine, which is neutral and polar, at codon 269 of the BMP2 protein (p.His269Tyr). This variant is present in population databases (rs755398280, gnomAD 0.007%). This variant has not been reported in the literature in individuals affected with BMP2-related conditions. An algorithm developed to predict the effect of missense changes on protein structure and function (PolyPhen-2) suggests that this variant is likely to be disruptive. In summary, the available evidence is currently insufficient to determine the role of this variant in disease. Therefore, it has been classified as a Variant of Uncertain Significance.

Department of Pathology and Laboratory Medicine, Sinai Health System
Classification: Uncertain significance for short stature, facial dysmorphism, and skeletal anomalies with or without cardiac anomalies 1. Last evaluated: 2021-07-30. Review status: criteria provided, single submitter. Criteria: ACMG Guidelines, 2015. Collection method: research. Allele origin: germline.

NM_001200.4(BMP2):c.805C>T (p.His269Tyr)

Gene: BMP2 (bone morphogenetic protein 2; plus strand). Cytogenetic location: 20p12.3.
Variant type: single nucleotide variant.
Coding change: c.805C>T on transcript NM_001200.4 (MANE Select); coding-DNA position 805, C replaced by T.
Protein change: p.His269Tyr; replaces histidine 269 with tyrosine.
Molecular consequence: missense variant.
Genome position (GRCh38, 1-based): chr20:6,778,703, C>T. VCF-style: chr20-6778703-C-T. GRCh37 (hg19) VCF-style: chr20-6759350-C-T.
Other names: c.805C>T (NM_001200.2); short protein forms H269Y.
Identifiers: ClinVar variation 2901659 (VCV002901659.5), dbSNP rs755398280, ClinGen allele CA9758749.